The following is an entry in ClinVar:

NM_020041.3(SLC2A9):c.1215+8G>A

Gene: SLC2A9 (solute carrier family 2 member 9; minus strand). Cytogenetic location: 4p16.1.
Variant type: single nucleotide variant.
Coding change: c.1215+8G>A on transcript NM_020041.3 (MANE Select); 8 bases into the intron after coding-DNA position 1215, G replaced by A.
Molecular consequence: intron variant.
Genome position (GRCh38, 1-based): chr4:9,890,602, C>T on the plus strand (G>A on the coding strand, the complement: SLC2A9 is on the minus strand). VCF-style: chr4-9890602-C-T. GRCh37 (hg19) VCF-style: chr4-9892226-C-T.
Other names: c.1128+8G>A (NM_001001290.2); c.1215+8G>A (NM_020041.2).
Identifiers: ClinVar variation 2050846 (VCV002050846.6), dbSNP rs187946156, ClinGen allele CA2856935.

ClinVar aggregate classification (germline): Benign. Review status: criteria provided, single submitter (1 of 4 stars). 2 submissions from 2 submitters: Benign (1). 1 of the submissions does not count toward it. Last evaluated 2025-12-17.

Conditions:
SLC2A9-related disorder. Also called: SLC2A9-related condition.

Allele frequency attached by ClinVar (database versions not stated): gnomAD exomes 0.00009; ExAC 0.00031; ESP Exome Variant Server 0.00108; TOPMed 0.00137; 1000 Genomes Project 0.00180; 1000 Genomes Project 30x 0.00234.
gnomAD v4.1: 325 of 1,613,406 alleles (0.02%); highest among the groups gnomAD compares: African/African-American, 0.39%; 1 homozygote.

Submissions (2):

Labcorp Genetics (formerly Invitae), Labcorp
Classification: Benign. Last evaluated: 2025-12-17. Review status: criteria provided, single submitter. Criteria: Invitae Variant Classification Sherloc (09022015). Collection method: clinical testing. Allele origin: germline.

PreventionGenetics, part of Exact Sciences
Classification: Likely benign for SLC2A9-related condition. Last evaluated: 2019-04-11. Review status: no assertion criteria provided. Collection method: clinical testing. Allele origin: germline. Not counted in ClinVar's aggregate classification.
Comment: This variant is classified as likely benign based on ACMG/AMP sequence variant interpretation guidelines (Richards et al. 2015 PMID: 25741868, with internal and published modifications).